The following is an entry in ClinVar:

NM_000485.3(APRT):c.80+2T>C

Genes: APRT (adenine phosphoribosyltransferase; minus strand), LOC130059760 (ATAC-STARR-seq lymphoblastoid silent region 7879; plus strand). Cytogenetic location: 16q24.3.
Variant type: single nucleotide variant.
Coding change: c.80+2T>C on transcript NM_000485.3 (MANE Select); the canonical splice donor site of the intron after coding-DNA position 80, T replaced by C.
Molecular consequence: splice donor variant.
Genome position (GRCh38, 1-based): chr16:88,811,818, A>G on the plus strand (T>C on the coding strand, the complement: APRT is on the minus strand). VCF-style: chr16-88811818-A-G. GRCh37 (hg19) VCF-style: chr16-88878226-A-G.
Other names: c.80+2T>C (NM_001030018.2).
Identifiers: ClinVar variation 4698132 (VCV004698132.1).

ClinVar aggregate classification (germline): Pathogenic (1 of 4 stars; one submission).

Submission:

Labcorp Genetics (formerly Invitae), Labcorp
Classification: Pathogenic. Last evaluated: 2025-12-29. Review status: criteria provided, single submitter. Criteria: Invitae Variant Classification Sherloc (09022015). Collection method: clinical testing. Allele origin: germline.
Comment: This sequence change affects a donor splice site in intron 1 of the APRT gene. It is expected to disrupt RNA splicing. Variants that disrupt the donor or acceptor splice site typically lead to a loss of protein function (PMID: 16199547), and loss-of-function variants in APRT are known to be pathogenic (PMID: 7685481, 20150536, 28717278). The frequency data for this variant in the population databases is considered unreliable, as metrics indicate poor data quality at this position in the gnomAD database. Disruption of this splice site has been observed in individual(s) with clinical features of adenine phosphoribosyltransferase deficiency (internal data). Algorithms developed to predict the effect of sequence changes on RNA splicing suggest that this variant may disrupt the consensus splice site. For these reasons, this variant has been classified as Pathogenic.

Literature cited by the submitters: PubMed 16199547; PubMed 7685481; PubMed 20150536; PubMed 28717278.